The following is an entry in ClinVar:

NM_001379500.1(COL18A1):c.2808C>G (p.Ser936Arg)

Genes: COL18A1 (collagen type XVIII alpha 1 chain; plus strand), SLC19A1 (solute carrier family 19 member 1; minus strand). Cytogenetic location: 21q22.3.
Variant type: single nucleotide variant.
Coding change: c.2808C>G on transcript NM_001379500.1 (MANE Select); coding-DNA position 2808, C replaced by G.
Protein change: p.Ser936Arg; replaces serine 936 with arginine.
Molecular consequence: missense variant.
Genome position (GRCh38, 1-based): chr21:45,504,496, C>G. VCF-style: chr21-45504496-C-G. GRCh37 (hg19) VCF-style: chr21-46924410-C-G.
Other names: c.3348C>G, p.Ser1116Arg (NM_030582.4); c.4053C>G, p.Ser1351Arg (NM_130444.3); short protein forms S936R, S1116R, S1351R.
Identifiers: ClinVar variation 1353119 (VCV001353119.6), dbSNP rs769063480, ClinGen allele CA410499249.
Genomic context (GRCh38, chr21:45,504,496, plus strand): 5'-TGATGCAGGACAGAAAGGCGAAAGGGGGGAGCCCGGGGGCGGCGGTTTCTTCGGCTCCAG[C>G]CTGCCCGGCCCCCCCGGCCCCCCAGGCCCCCCAGGCCCACGTGGCTACCCTGGGATTCCA-3'
Protein context (NP_001366429.1, residues 926-946): EPGGGGFFGS[Ser936Arg]LPGPPGPPGP

ClinVar aggregate classification (germline): Uncertain significance (1 of 4 stars; one submission).

Allele frequency attached by ClinVar (database versions not stated): TOPMed below 0.00001.

Submission:

Labcorp Genetics (formerly Invitae), Labcorp
Classification: Uncertain significance. Last evaluated: 2023-07-07. Review status: criteria provided, single submitter. Criteria: Invitae Variant Classification Sherloc (09022015). Collection method: clinical testing. Allele origin: germline.
Comment: Experimental studies and prediction algorithms are not available or were not evaluated, and the functional significance of this variant is currently unknown. In summary, the available evidence is currently insufficient to determine the role of this variant in disease. Therefore, it has been classified as a Variant of Uncertain Significance. ClinVar contains an entry for this variant (Variation ID: 1353119). This variant has not been reported in the literature in individuals affected with COL18A1-related conditions. This variant is not present in population databases (gnomAD no frequency). This sequence change replaces serine with arginine at codon 936 of the COL18A1 protein (p.Ser936Arg). There is a moderate physicochemical difference between serine and arginine.